The following is an entry in ClinVar:

NM_001035.3(RYR2):c.4745G>C (p.Cys1582Ser)

Gene: RYR2 (ryanodine receptor 2; plus strand). Cytogenetic location: 1q43.
Variant type: single nucleotide variant.
Coding change: c.4745G>C on transcript NM_001035.3 (MANE Select); coding-DNA position 4745, G replaced by C.
Protein change: p.Cys1582Ser; replaces cysteine 1582 with serine.
Molecular consequence: missense variant.
Genome position (GRCh38, 1-based): chr1:237,610,823, G>C. VCF-style: chr1-237610823-G-C. GRCh37 (hg19) VCF-style: chr1-237774123-G-C.
Other names: short protein forms C1582S.
Identifiers: ClinVar variation 1713309 (VCV001713309.6), dbSNP rs1677767017, ClinGen allele CA345402368.

ClinVar aggregate classification (germline): Uncertain significance (1 of 4 stars; one submission).

Conditions:
Catecholaminergic polymorphic ventricular tachycardia 1. Also called: VENTRICULAR TACHYCARDIA, CATECHOLAMINERGIC POLYMORPHIC, 1, WITH OR WITHOUT ATRIAL DYSFUNCTION AND/OR DILATED CARDIOMYOPATHY; VENTRICULAR TACHYCARDIA, STRESS-INDUCED POLYMORPHIC 1; RYR2-Related Catecholaminergic Polymorphic Ventricular Tachycardia. Identifiers: Orphanet 3286, MedGen C1631597, MONDO:0011484, OMIM 604772.

gnomAD v4.1: 2 of 1,612,152 alleles (0.00012%); highest among the groups gnomAD compares: Non-Finnish European, 0.00017%; no homozygotes.

Submission:

Labcorp Genetics (formerly Invitae), Labcorp
Classification: Uncertain significance for Catecholaminergic polymorphic ventricular tachycardia 1. Last evaluated: 2022-07-22. Review status: criteria provided, single submitter. Criteria: Invitae Variant Classification Sherloc (09022015). Collection method: clinical testing. Allele origin: germline.
Comment: This sequence change replaces cysteine, which is neutral and slightly polar, with serine, which is neutral and polar, at codon 1582 of the RYR2 protein (p.Cys1582Ser). This variant is not present in population databases (gnomAD no frequency). This variant has not been reported in the literature in individuals affected with RYR2-related conditions. Advanced modeling of protein sequence and biophysical properties (such as structural, functional, and spatial information, amino acid conservation, physicochemical variation, residue mobility, and thermodynamic stability) performed at Invitae indicates that this missense variant is expected to disrupt RYR2 protein function. In summary, the available evidence is currently insufficient to determine the role of this variant in disease. Therefore, it has been classified as a Variant of Uncertain Significance.